The following is an entry in ClinVar:

ClinVar aggregate classification (germline): Benign/Likely benign. Review status: criteria provided, multiple submitters, no conflicts (2 of 4 stars). 5 submissions from 5 submitters: Benign (1); Likely benign (3). 1 of the submissions does not count toward it. Last evaluated 2026-06-23.

Conditions:
FGFR3-related disorder. Also called: FGFR3-related disorders.
FGFR3-related chondrodysplasia. Identifiers: Orphanet 93420, MedGen C5681604, MONDO:0019685.

Allele frequency attached by ClinVar (database versions not stated): ESP Exome Variant Server 0.00016; ExAC 0.00051; gnomAD 0.00057; TOPMed 0.00090; 1000 Genomes Project 0.00220; 1000 Genomes Project 30x 0.00234.
gnomAD v4.1: 518 of 1,549,496 alleles (0.033%); highest among the groups gnomAD compares: East Asian, 0.63%; no homozygotes.

Submissions (5):

Genomenon, Inc
Classification: Benign for FGFR3-related chondrodysplasia. Last evaluated: 2026-06-23. Review status: criteria provided, single submitter. Criteria: Genomenon Sequence Variant Interpretation Standards - Updated. Collection method: curation. Allele origin: germline. Affected: no.
Comment: FGFR3 p.Leu457= (c.1371C>T) is a synonymous variant that retains Leucine at codon 457. This variant is present at high allele frequency in population databases. We classify FGFR3 p.Leu457= (c.1371C>T) as a benign variant.

Labcorp Genetics (formerly Invitae), Labcorp
Classification: Likely benign. Last evaluated: 2026-01-02. Review status: criteria provided, single submitter. Criteria: Invitae Variant Classification Sherloc (09022015). Collection method: clinical testing. Allele origin: germline.

Blueprint Genetics
Classification: Likely benign. Last evaluated: 2024-10-24. Review status: criteria provided, single submitter. Criteria: ACMG Guidelines, 2015. Collection method: clinical testing. Allele origin: germline.

GeneDx
Classification: Likely benign. Last evaluated: 2021-04-29. Review status: criteria provided, single submitter. Criteria: GeneDx Variant Classification Process June 2021. Collection method: clinical testing. Allele origin: germline. Affected: yes.

PreventionGenetics, part of Exact Sciences
Classification: Benign for FGFR3-related condition. Last evaluated: 2019-06-26. Review status: no assertion criteria provided. Collection method: clinical testing. Allele origin: germline. Not counted in ClinVar's aggregate classification.
Comment: This variant is classified as benign based on ACMG/AMP sequence variant interpretation guidelines (Richards et al. 2015 PMID: 25741868, with internal and published modifications).

NM_000142.5(FGFR3):c.1371C>T (p.Leu457=)

Gene: FGFR3 (fibroblast growth factor receptor 3; plus strand). Cytogenetic location: 4p16.3.
Variant type: single nucleotide variant.
Coding change: c.1371C>T on transcript NM_000142.5 (MANE Select); coding-DNA position 1371, C replaced by T.
Protein change: p.Leu457=; no amino-acid change (leucine 457 retained).
Molecular consequence: synonymous variant. On other transcripts: non-coding transcript variant (1).
Genome position (GRCh38, 1-based): chr4:1,804,928, C>T. VCF-style: chr4-1804928-C-T. GRCh37 (hg19) VCF-style: chr4-1806655-C-T.
Other names: c.1377C>T, p.Leu459= (NM_001163213.2); c.1374C>T, p.Leu458= (NM_001354809.2, NM_001354810.2); c.1035C>T, p.Leu345= (NM_022965.4).
Identifiers: ClinVar variation 533896 (VCV000533896.18), dbSNP rs199758988, ClinGen allele CA2810372.